The following is an entry in ClinVar:

NM_004006.3(DMD):c.10135A>T (p.Lys3379Ter)

Gene: DMD (dystrophin; minus strand). Cytogenetic location: Xp21.2.
Variant type: single nucleotide variant.
Coding change: c.10135A>T on transcript NM_004006.3 (MANE Select); coding-DNA position 10135, A replaced by T.
Protein change: p.Lys3379Ter; replaces lysine 3379 with a stop codon.
Molecular consequence: nonsense.
Genome position (GRCh38, 1-based): chrX:31,178,757, T>A on the plus strand (A>T on the coding strand, the complement: DMD is on the minus strand). VCF-style: chrX-31178757-T-A. GRCh37 (hg19) VCF-style: chrX-31196874-T-A.
Other names: c.10111A>T, p.Lys3371Ter (NM_000109.4); c.10123A>T, p.Lys3375Ter (NM_004009.3); c.9766A>T, p.Lys3256Ter (NM_004010.3); c.6112A>T, p.Lys2038Ter (NM_004011.4); c.6103A>T, p.Lys2035Ter (NM_004012.4); c.2755A>T, p.Lys919Ter (NM_004013.3, NM_004020.4, NM_004021.3 and 2 more transcripts); c.1948A>T, p.Lys650Ter (NM_004014.3); c.931A>T, p.Lys311Ter (NM_004015.3, NM_004016.3, NM_004017.3 and 2 more transcripts); short protein forms K2035*, K3371*, K3375*, K2038*, K311*, K3256*, K650*, K3379*.
Identifiers: ClinVar variation 1409231 (VCV001409231.6), dbSNP rs2148291755, ClinGen allele CA412652865.

ClinVar aggregate classification (germline): Pathogenic (1 of 4 stars; one submission).

Conditions:
Duchenne muscular dystrophy (DMD). Also called: MUSCULAR DYSTROPHY, PSEUDOHYPERTROPHIC PROGRESSIVE, DUCHENNE TYPE; Duchenne Muscular Dystrophy (DMD). Identifiers: Orphanet 98896, MedGen C0013264, MONDO:0010679, OMIM 310200.

Submission:

Labcorp Genetics (formerly Invitae), Labcorp
Classification: Pathogenic for Duchenne muscular dystrophy. Last evaluated: 2022-01-13. Review status: criteria provided, single submitter. Criteria: Invitae Variant Classification Sherloc (09022015). Collection method: clinical testing. Allele origin: germline.
Comment: For these reasons, this variant has been classified as Pathogenic. This premature translational stop signal has been observed in individual(s) with Duchenne muscular dystrophy (PMID: 17041906). In at least one individual the variant was observed to be de novo. This variant is not present in population databases (gnomAD no frequency). This sequence change creates a premature translational stop signal (p.Lys3379*) in the DMD gene. It is expected to result in an absent or disrupted protein product. Loss-of-function variants in DMD are known to be pathogenic (PMID: 16770791, 25007885).

Literature cited by the submitters: PubMed 17041906; PubMed 16770791; PubMed 25007885.